The following is an entry in ClinVar:

ClinVar aggregate classification (germline): Pathogenic (1 of 4 stars; one submission).

Submission:

Baylor Genetics
Classification: Pathogenic. Last evaluated: 2018-11-01. Review status: criteria provided, single submitter. Criteria: ACMG CNV Guidelines, 2011. Collection method: clinical testing. Allele origin: germline. Observed: 1 variant allele.
Comment: Duplications involving this region have been previously reported in patients with developmental delays and learning difficulties (PMID: 23345203)

GRCh37/hg19 8p23.3-23.1(chr8:184617-6804328)

Genes: AGPAT5 (1-acylglycerol-3-phosphate O-acyltransferase 5; plus strand), ANGPT2 (angiopoietin 2; minus strand), ARHGEF10 (Rho guanine nucleotide exchange factor 10; plus strand), CLN8 (CLN8 transmembrane ER and ERGIC protein; plus strand), CSMD1 (CUB and Sushi multiple domains 1; minus strand) and 12 more. Cytogenetic location: 8p23.3-23.1.
Variant type: copy number gain.
Identifiers: ClinVar variation 625670 (VCV000625670.1).